The following is an entry in ClinVar:

NM_000059.4(BRCA2):c.6723dup (p.Asp2242fs)

Gene: BRCA2 (BRCA2 DNA repair associated; plus strand). Cytogenetic location: 13q13.1.
Variant type: Duplication.
Coding change: c.6723dup on transcript NM_000059.4 (MANE Select); coding-DNA position 6723, one base duplicated (A; older notation c.6723dupA).
Protein change: p.Asp2242fs; shifts the reading frame from aspartic acid 2242.
Molecular consequence: frameshift variant.
Genome position (GRCh38, 1-based): chr13:32,341,078, A duplicated. VCF-style (leftmost placement, unchanged base first): chr13-32341077-C-CA. GRCh37 (hg19) VCF-style: chr13-32915214-C-CA.
Other names: c.6723dupA (NM_000059.3); short protein forms D2242fs.
Identifiers: ClinVar variation 548373 (VCV000548373.3), dbSNP rs1555284827, ClinGen allele CA658823619.

ClinVar aggregate classification (germline): Pathogenic. Review status: reviewed by expert panel (3 of 4 stars). 2 submissions from 2 submitters: Pathogenic (1). 1 of the submissions does not count toward it. Last evaluated 2017-12-15.

Conditions:
Hereditary cancer-predisposing syndrome. Also called: Neoplastic Syndromes, Hereditary; Hereditary neoplastic syndrome; Tumor predisposition; Hereditary Cancer Syndrome. Identifiers: Orphanet 140162, MedGen C0027672, MeSH D009386, MONDO:0015356.
Breast-ovarian cancer, familial, susceptibility to, 2 (BROVCA2). Also called: BRCA2 Hereditary Breast and Ovarian Cancer. Identifiers: Orphanet 145, MedGen C2675520, MONDO:0012933, OMIM 612555. Disease mechanism: loss of function.

Allele frequency attached by ClinVar (database versions not stated): gnomAD exomes below 0.00001.

Submissions (2):

Evidence-based Network for the Interpretation of Germline Mutant Alleles (ENIGMA)
Classification: Pathogenic for Breast-ovarian cancer, familial, susceptibility to, 2. Last evaluated: 2017-12-15. Review status: reviewed by expert panel. Criteria: ENIGMA BRCA1/2 Classification Criteria (2017-06-29). Collection method: curation. Allele origin: germline. Study: ENIGMA.
Comment: Variant allele predicted to encode a truncated non-functional protein.

Ambry Genetics
Classification: Pathogenic for Hereditary cancer-predisposing syndrome. Last evaluated: 2022-06-29. Review status: criteria provided, single submitter. Criteria: Ambry Variant Classification Scheme 2023. Collection method: clinical testing. Allele origin: germline. Not counted in ClinVar's aggregate classification.
Comment: The c.6723dupA pathogenic mutation, located in coding exon 10 of the BRCA2 gene, results from a duplication of A at nucleotide position 6723, causing a translational frameshift with a predicted alternate stop codon (p.D2242Rfs*3). This alteration is expected to result in loss of function by premature protein truncation or nonsense-mediated mRNA decay. As such, this alteration is interpreted as a disease-causing mutation.